The following is an entry in ClinVar:

NM_001267550.2(TTN):c.103430T>C (p.Ile34477Thr)

Genes: TTN (titin; minus strand), TTN-AS1 (TTN antisense RNA 1; plus strand). Cytogenetic location: 2q31.2.
Variant type: single nucleotide variant.
Coding change: c.103430T>C on transcript NM_001267550.2 (MANE Select); coding-DNA position 103430, T replaced by C.
Protein change: p.Ile34477Thr; replaces isoleucine 34477 with threonine.
Molecular consequence: missense variant.
Genome position (GRCh38, 1-based): chr2:178,533,185, A>G on the plus strand (T>C on the coding strand, the complement: TTN is on the minus strand). VCF-style: chr2-178533185-A-G. GRCh37 (hg19) VCF-style: chr2-179397912-A-G.
Other names: p.I32836T:ATT>ACT; c.98507T>C, p.Ile32836Thr (NM_001256850.1); c.76235T>C, p.Ile25412Thr (NM_003319.4); c.95726T>C, p.Ile31909Thr (NM_133378.4); c.76610T>C, p.Ile25537Thr (NM_133432.3); c.76811T>C, p.Ile25604Thr (NM_133437.4); short protein forms I32836T, I34477T, I31909T, I25412T, I25537T, I25604T.
Identifiers: ClinVar variation 203071 (VCV000203071.17), dbSNP rs751914956, ClinGen allele CA311151.

ClinVar aggregate classification (germline): Conflicting classifications of pathogenicity. Review status: criteria provided, conflicting classifications (1 of 4 stars). 11 submissions from 7 submitters: Uncertain significance (9); Benign (1); Likely benign (1). Last evaluated 2024-04-26.

Conditions:
Cardiovascular phenotype. Identifiers: MedGen CN230736.
Dilated cardiomyopathy 1G (CMD1G). Identifiers: Orphanet 154, MedGen C1858763, MONDO:0011400, OMIM 604145.
Autosomal recessive limb-girdle muscular dystrophy type 2J (LGMDR10). Also called: MUSCULAR DYSTROPHY, LIMB-GIRDLE, AUTOSOMAL RECESSIVE 10; Limb-girdle muscular dystrophy, type 2J. Identifiers: Orphanet 140922, MedGen C1837342, MONDO:0012127, OMIM 608807.
Early-onset myopathy with fatal cardiomyopathy (CMYO5). Also called: CONGENITAL MYOPATHY 5 WITH CARDIOMYOPATHY; Salih Myopathy. Identifiers: Orphanet 289377, MedGen C2673677, MONDO:0012714, OMIM 611705. Disease mechanism: loss of function.
Myopathy, myofibrillar, 9, with early respiratory failure (MFM9). Also called: EDSTROM MYOPATHY; MYOPATHY, PROXIMAL, WITH EARLY RESPIRATORY MUSCLE INVOLVEMENT; Myopathy, distal, with early respiratory failure, autosomal dominant; Hereditary myopathy with early respiratory failure. Identifiers: Orphanet 178464, Orphanet 34521, MedGen C1863599, MONDO:0011362, OMIM 603689.
Tibial muscular dystrophy (TMD). Also called: UDD MYOPATHY; Tibial muscular dystrophy, tardive; Udd Distal Myopathy – Tibial Muscular Dystrophy. Identifiers: Orphanet 609, MedGen C1838244, MONDO:0010870, OMIM 600334.

Allele frequency attached by ClinVar (database versions not stated): gnomAD 0.00004 and 0.00005; TOPMed 0.00004; ExAC 0.00005; gnomAD exomes 0.00005 and 0.00014.
gnomAD v4.1: 213 of 1,613,718 alleles (0.013%); highest among the groups gnomAD compares: East Asian, 0.43%; 2 homozygotes.

Submissions (11):

Revvity Omics, Revvity
Classification: Uncertain significance. Last evaluated: 2024-04-26. Review status: criteria provided, single submitter. Criteria: ACMG Guidelines, 2015. Collection method: clinical testing. Allele origin: germline.

Women's Health and Genetics/Laboratory Corporation of America, LabCorp
Classification: Uncertain significance. Last evaluated: 2023-05-15. Review status: criteria provided, single submitter. Criteria: LabCorp Variant Classification Summary - May 2015. Collection method: clinical testing. Allele origin: germline.
Comment: Variant summary: TTN c.95726T>C (p.Ile31909Thr) results in a non-conservative amino acid change located in the M-band of the encoded protein sequence. Two of four in-silico tools predict a benign effect of the variant on protein function. The variant allele was found at a frequency of 4.8e-05 in 248326 control chromosomes. This frequency is not significantly higher than estimated for a pathogenic variant in TTN causing Dilated Cardiomyopathy (4.8e-05 vs 0.00039), allowing no conclusion about variant significance. c.95726T>C has been reported in the literature in individuals with multiple variants affected with multiple congenital anomalies, including heart abnormalities (Nishi_2016). These report(s) do not provide unequivocal conclusions about association of the variant with Dilated Cardiomyopathy. To our knowledge, no experimental evidence demonstrating an impact on protein function has been reported. The following publications have been ascertained in the context of this evaluation (PMID: 27566442, 29761117). Five clinical diagnostic laboratories have submitted clinical-significance assessments for this variant to ClinVar after 2014 without evidence for independent evaluation. All laboratories classified the variant as uncertain significance. Based on the evidence outlined above, the variant was classified as uncertain significance.

Ambry Genetics
Classification: Uncertain significance for Cardiovascular phenotype. Last evaluated: 2019-05-28. Review status: criteria provided, single submitter. Criteria: Ambry Variant Classification Scheme 2023. Collection method: clinical testing. Allele origin: germline.
Comment: The p.I25412T variant (also known as c.76235T>C), located in coding exon 185 of the TTN gene, results from a T to C substitution at nucleotide position 76235. The isoleucine at codon 25412 is replaced by threonine, an amino acid with similar properties. This amino acid position is well conserved in available vertebrate species. In addition, this alteration is predicted to be tolerated by in silico analysis. Since supporting evidence is limited at this time, the clinical significance of this alteration remains unclear.

Illumina Laboratory Services, Illumina
Classification: Uncertain significance for Dilated cardiomyopathy 1G. Last evaluated: 2018-01-13. Review status: criteria provided, single submitter. Criteria: ICSL Variant Classification Criteria 13 December 2019. Collection method: clinical testing. Allele origin: germline.

Illumina Laboratory Services, Illumina
Classification: Likely benign for Myopathy, myofibrillar, 9, with early respiratory failure. Last evaluated: 2018-01-13. Review status: criteria provided, single submitter. Criteria: ICSL Variant Classification Criteria 13 December 2019. Collection method: clinical testing. Allele origin: germline.
Comment: This variant was observed in the ICSL laboratory as part of a predisposition screen in an ostensibly healthy population. It had not been previously curated by ICSL or reported in the Human Gene Mutation Database (HGMD: prior to June 1st, 2018), and was therefore a candidate for classification through an automated scoring system. Utilizing variant allele frequency, disease prevalence and penetrance estimates, and inheritance mode, an automated score was calculated to assess if this variant is too frequent to cause the disease. Based on the score and internal cut-off values, a variant classified as likely benign is not then subjected to further curation. The score for this variant resulted in a classification of likely benign for this disease.

Illumina Laboratory Services, Illumina
Classification: Uncertain significance for Early-onset myopathy with fatal cardiomyopathy. Last evaluated: 2018-01-13. Review status: criteria provided, single submitter. Criteria: ICSL Variant Classification Criteria 13 December 2019. Collection method: clinical testing. Allele origin: germline.

Illumina Laboratory Services, Illumina
Classification: Benign for Tibial muscular dystrophy. Last evaluated: 2018-01-13. Review status: criteria provided, single submitter. Criteria: ICSL Variant Classification Criteria 13 December 2019. Collection method: clinical testing. Allele origin: germline.
Comment: This variant was observed in the ICSL laboratory as part of a predisposition screen in an ostensibly healthy population. It had not been previously curated by ICSL or reported in the Human Gene Mutation Database (HGMD: prior to June 1st, 2018), and was therefore a candidate for classification through an automated scoring system. Utilizing variant allele frequency, disease prevalence and penetrance estimates, and inheritance mode, an automated score was calculated to assess if this variant is too frequent to cause the disease. Based on the score and internal cut-off values, a variant classified as benign is not then subjected to further curation. The score for this variant resulted in a classification of benign for this disease.

Illumina Laboratory Services, Illumina
Classification: Uncertain significance for Autosomal recessive limb-girdle muscular dystrophy type 2J. Last evaluated: 2018-01-13. Review status: criteria provided, single submitter. Criteria: ICSL Variant Classification Criteria 13 December 2019. Collection method: clinical testing. Allele origin: germline.

Labcorp Genetics (formerly Invitae), Labcorp
Classification: Uncertain significance for Dilated cardiomyopathy 1G; Autosomal recessive limb-girdle muscular dystrophy type 2J. Last evaluated: 2017-06-21. Review status: criteria provided, single submitter. Criteria: Invitae Variant Classification Sherloc (09022015). Collection method: clinical testing. Allele origin: germline.

Eurofins Ntd Llc (ga)
Classification: Uncertain significance. Last evaluated: 2017-02-06. Review status: criteria provided, single submitter. Criteria: EGL Classification Definitions 2015. Collection method: clinical testing. Allele origin: germline. Observed: 2 variant alleles, 2 heterozygotes.

GeneDx
Classification: Uncertain significance. Last evaluated: 2017-01-18. Review status: criteria provided, single submitter. Criteria: GeneDx Variant Classification (06012015). Collection method: clinical testing. Allele origin: germline. Affected: yes.
Comment: Missense variants in the TTN gene are considered 'unclassified' if they are not previously reported in the literature and do not have >1% frequency in the population to be considered a polymorphism. Research indicates that truncating mutations in the TTN gene are expected to account for approximately 25% of familial and 18% of sporadic idiopathic DCM; however, truncating variants in the TTN gene have been reported in approximately 3% of reported control alleles. There has been little investigation into non-truncating variants. (Herman D et al. Truncations of titin causing dilated cardiomyopathy. N Eng J Med 366:619-628, 2012) The variant is found in DCM-CRDM panel(s).

Literature cited by the submitters: PubMed 27566442 (cited by Women's Health and Genetics/Laboratory Corporation of America, LabCorp and Ambry Genetics); PubMed 29761117 (cited by Women's Health and Genetics/Laboratory Corporation of America, LabCorp).